The following is an entry in ClinVar:

NM_000553.6(WRN):c.1049C>T (p.Thr350Ile)

Gene: WRN (WRN RecQ like helicase; plus strand). Cytogenetic location: 8p12.
Variant type: single nucleotide variant.
Coding change: c.1049C>T on transcript NM_000553.6 (MANE Select); coding-DNA position 1049, C replaced by T.
Protein change: p.Thr350Ile; replaces threonine 350 with isoleucine.
Molecular consequence: missense variant.
Genome position (GRCh38, 1-based): chr8:31,081,076, C>T. VCF-style: chr8-31081076-C-T. GRCh37 (hg19) VCF-style: chr8-30938592-C-T.
Other names: short protein forms T350I.
Identifiers: ClinVar variation 2082151 (VCV002082151.4), dbSNP rs1813289659, ClinGen allele CA370920438.

ClinVar aggregate classification (germline): Uncertain significance (1 of 4 stars; one submission).

Conditions:
Werner syndrome (WRN). Identifiers: Orphanet 902, MedGen C0043119, MONDO:0010196, OMIM 277700.

Submission:

Labcorp Genetics (formerly Invitae), Labcorp
Classification: Uncertain significance for Werner syndrome. Last evaluated: 2025-02-19. Review status: criteria provided, single submitter. Criteria: Invitae Variant Classification Sherloc (09022015). Collection method: clinical testing. Allele origin: germline.
Comment: This sequence change replaces threonine, which is neutral and polar, with isoleucine, which is neutral and non-polar, at codon 350 of the WRN protein (p.Thr350Ile). This variant is not present in population databases (gnomAD no frequency). This variant has not been reported in the literature in individuals affected with WRN-related conditions. ClinVar contains an entry for this variant (Variation ID: 2082151). An algorithm developed to predict the effect of missense changes on protein structure and function (PolyPhen-2) suggests that this variant is likely to be tolerated. In summary, the available evidence is currently insufficient to determine the role of this variant in disease. Therefore, it has been classified as a Variant of Uncertain Significance.